The following is an entry in ClinVar:

ClinVar aggregate classification (germline): Pathogenic (1 of 4 stars; one submission).

Conditions:
Primary ciliary dyskinesia 23 (CILD23). Also called: CILIARY DYSKINESIA, PRIMARY, 23, WITH OR WITHOUT SITUS INVERSUS. Identifiers: Orphanet 244, MedGen C3809548, MONDO:0014193, OMIM 615451.

Submission:

Labcorp Genetics (formerly Invitae), Labcorp
Classification: Pathogenic for Primary ciliary dyskinesia 23. Last evaluated: 2022-08-01. Review status: criteria provided, single submitter. Criteria: Invitae Variant Classification Sherloc (09022015). Collection method: clinical testing. Allele origin: germline.
Comment: For these reasons, this variant has been classified as Pathogenic. This variant has not been reported in the literature in individuals affected with ARMC4-related conditions. This variant is not present in population databases (gnomAD no frequency). This sequence change creates a premature translational stop signal (p.Cys261Hisfs*17) in the ARMC4 gene. It is expected to result in an absent or disrupted protein product. Loss-of-function variants in ARMC4 are known to be pathogenic (PMID: 23849778).

Literature cited by the submitters: PubMed 23849778.

NM_018076.5(ODAD2):c.781_782del (p.Cys261fs)

Gene: ODAD2 (outer dynein arm docking complex subunit 2; minus strand). Cytogenetic location: 10p12.1.
Variant type: Microsatellite.
Coding change: c.781_782del on transcript NM_018076.5 (MANE Select); coding-DNA positions 781 to 782, 2 bases deleted (TG; older notation c.781_782delTG).
Protein change: p.Cys261fs; shifts the reading frame from cysteine 261.
Molecular consequence: frameshift variant.
Genome position (GRCh38, 1-based): chr10:27,983,880-27,983,881, CA deleted on the plus strand (TG on the coding strand, the reverse complement: ODAD2 is on the minus strand); deleting any 2 consecutive bases within chr10:27,983,880-27,983,883 gives the same sequence; the c. name uses the placement nearest the transcript's 3' end. VCF-style (leftmost placement, unchanged base first): chr10-27983879-GCA-G. GRCh37 (hg19) VCF-style: chr10-28272808-GCA-G.
Other names: c.781_782del, p.Cys261fs (NM_001290020.2); short protein forms C261fs.
Identifiers: ClinVar variation 2061574 (VCV002061574.4), dbSNP rs1849710760, ClinGen allele CA926237209.